The following is an entry in ClinVar:

ClinVar aggregate classification (germline): Benign/Likely benign. Review status: criteria provided, multiple submitters, no conflicts (2 of 4 stars). 5 submissions from 5 submitters: Benign (2); Likely benign (3). Last evaluated 2026-06-23.

Conditions:
Hereditary cancer-predisposing syndrome. Also called: Hereditary neoplastic syndrome; Neoplastic Syndromes, Hereditary; Hereditary Cancer Syndrome; Tumor predisposition. Identifiers: Orphanet 140162, MedGen C0027672, MeSH D009386, MONDO:0015356.
Retinoblastoma (RB1). Also called: RETINOBLASTOMA, SOMATIC. Identifiers: Orphanet 790, MedGen C0035335, MeSH D012175, MONDO:0008380, OMIM 180200, HP:0009919. Disease mechanism: loss of function. Inheritance: Both sporadic and heritable forms are tested..

Allele frequency attached by ClinVar (database versions not stated): TOPMed below 0.00001; ExAC 0.00002; gnomAD 0.00001; gnomAD exomes 0.00001 and 0.00002.
gnomAD v4.1: 20 of 1,611,650 alleles (0.0012%); highest among the groups gnomAD compares: South Asian, 0.0044%; no homozygotes.

Submissions (5):

Myriad Genetics, Inc.
Classification: Benign for Retinoblastoma. Last evaluated: 2026-06-23. Review status: criteria provided, single submitter. Criteria: Myriad Autosomal Dominant, Autosomal Recessive and X-Linked Classification Criteria (2023). Collection method: clinical testing. Allele origin: unknown.
Comment: This variant is considered benign. This variant is a silent/synonymous amino acid change and it is not expected to impact splicing.

Labcorp Genetics (formerly Invitae), Labcorp
Classification: Benign for Retinoblastoma. Last evaluated: 2025-12-08. Review status: criteria provided, single submitter. Criteria: Invitae Variant Classification Sherloc (09022015). Collection method: clinical testing. Allele origin: germline.

All of Us Research Program, National Institutes of Health
Classification: Likely benign for Retinoblastoma. Last evaluated: 2023-09-04. Review status: criteria provided, single submitter. Criteria: ACMG Guidelines, 2015. Collection method: clinical testing. Allele origin: germline. Inheritance: Autosomal dominant inheritance. Observed: 1 variant allele, 1 heterozygote.
Comment: This study involves interpretation of variants in research participants for the purpose of population health screening. Participant phenotype was not available at the time of variant classification. Additional details can be found in publication PMID: 35346344, PMCID: PMC8962531

Color Diagnostics, LLC DBA Color Health
Classification: Likely benign for Retinoblastoma. Last evaluated: 2023-08-31. Review status: criteria provided, single submitter. Criteria: ACMG Guidelines, 2015. Collection method: clinical testing. Allele origin: germline.

Ambry Genetics
Classification: Likely benign for Hereditary cancer-predisposing syndrome. Last evaluated: 2019-06-07. Review status: criteria provided, single submitter. Criteria: Ambry Variant Classification Scheme 2023. Collection method: clinical testing. Allele origin: germline.

NM_000321.3(RB1):c.342G>A (p.Ser114=)

Gene: RB1 (RB transcriptional corepressor 1; plus strand). Cytogenetic location: 13q14.2.
Variant type: single nucleotide variant.
Coding change: c.342G>A on transcript NM_000321.3 (MANE Select); coding-DNA position 342, G replaced by A.
Protein change: p.Ser114=; no amino-acid change (serine 114 retained).
Molecular consequence: synonymous variant.
Genome position (GRCh38, 1-based): chr13:48,342,676, G>A. VCF-style: chr13-48342676-G-A. GRCh37 (hg19) VCF-style: chr13-48916812-G-A.
Identifiers: ClinVar variation 237672 (VCV000237672.18), dbSNP rs748093967, ClinGen allele CA037639.